The following is an entry in ClinVar:

ClinVar aggregate classification (germline): Conflicting classifications of pathogenicity. Review status: criteria provided, conflicting classifications (1 of 4 stars). 10 submissions from 9 submitters: Uncertain significance (1); Benign (2); Likely benign (5). 2 of the submissions do not count toward it. Last evaluated 2026-05-26.

Conditions:
Familial visceral amyloidosis, Ostertag type (AMYLD2). Also called: AMYLOIDOSIS, HEREDITARY SYSTEMIC 2; AMYLOIDOSIS VIII; Familial visceral amyloidosis; Amyloidosis, hepatic and systemic; Hereditary Renal Amyloidosis; Ostertag type amyloidosis. Identifiers: Orphanet 85450, MedGen C0268389, MONDO:0007099, OMIM 105200.
Hypoalphalipoproteinemia, primary, 1. Identifiers: Orphanet 425, MedGen C5231558, MONDO:0011393, OMIM 604091.
Cardiovascular phenotype. Identifiers: MedGen CN230736.
APOA1-related disorder. Also called: APOA1-related condition.

Allele frequency attached by ClinVar (database versions not stated): gnomAD exomes 0.00050 and 0.00084; TOPMed 0.00053; ESP Exome Variant Server 0.00054; gnomAD 0.00056 and 0.00058; 1000 Genomes Project 30x 0.00016; 1000 Genomes Project 0.00020; ExAC 0.00049.
gnomAD v4.1: 1,301 of 1,605,380 alleles (0.081%); highest among the groups gnomAD compares: Non-Finnish European, 0.1%; 2 homozygotes.

Submissions (10):

Women's Health and Genetics/Laboratory Corporation of America, LabCorp
Classification: Uncertain significance. Last evaluated: 2026-05-26. Review status: criteria provided, single submitter. Criteria: LabCorp Variant Classification Summary - May 2015. Collection method: clinical testing. Allele origin: germline.
Comment: Variant summary: APOA1 c.562G>T (p.Ala188Ser) results in a conservative amino acid change in the encoded protein sequence. Algorithms developed to predict the effect of missense changes on protein structure and function all suggest that this variant is likely to be tolerated. The variant allele was found at a frequency of 0.0005 in 239258 control chromosomes. This frequency is not significantly higher than estimated for disease-causing variants in APOA1, allowing no conclusion about variant significance. To our knowledge, no occurrence of c.562G>T in individuals affected with APOA1-related conditions has been reported. At least one publication reports experimental evidence evaluating an impact on protein function; however, the data does not allow convincing conclusions about the variant effect (Gkolfinopoulou_2021, Dalla_Riva_2015). The following publications have been ascertained in the context of this evaluation (PMID: 23209431, 32666307, 26605794). ClinVar contains an entry for this variant (Variation ID: 302502). Based on the evidence outlined above, the variant was classified as uncertain significance.

CeGaT Center for Human Genetics Tuebingen
Classification: Likely benign. Last evaluated: 2026-02-01. Review status: criteria provided, single submitter. Criteria: CeGaT Center For Human Genetics Tuebingen Variant Classification Criteria Version 2. Collection method: clinical testing. Allele origin: germline. Affected: yes. Observed: 1 variant allele.
Comment: APOA1: BP4, BS2

Labcorp Genetics (formerly Invitae), Labcorp
Classification: Likely benign. Last evaluated: 2026-01-11. Review status: criteria provided, single submitter. Criteria: Invitae Variant Classification Sherloc (09022015). Collection method: clinical testing. Allele origin: germline.

PreventionGenetics, part of Exact Sciences
Classification: Likely benign for APOA1-related condition. Last evaluated: 2025-03-08. Review status: criteria provided, single submitter. Criteria: ACMG Guidelines, 2015. Collection method: clinical testing. Allele origin: germline.
Comment: This variant is classified as likely benign based on ACMG/AMP sequence variant interpretation guidelines (Richards et al. 2015 PMID: 25741868, with internal and published modifications).

Blueprint Genetics
Classification: Likely benign. Last evaluated: 2024-11-18. Review status: criteria provided, single submitter. Criteria: ACMG Guidelines, 2015. Collection method: clinical testing. Allele origin: germline.

Ambry Genetics
Classification: Likely benign for Cardiovascular phenotype. Last evaluated: 2019-11-08. Review status: criteria provided, single submitter. Criteria: Ambry Variant Classification Scheme 2023. Collection method: clinical testing. Allele origin: germline.

Illumina Laboratory Services, Illumina
Classification: Benign for Hypoalphalipoproteinemia, primary, 1. Last evaluated: 2018-03-06. Review status: criteria provided, single submitter. Criteria: ICSL Variant Classification Criteria 13 December 2019. Collection method: clinical testing. Allele origin: germline.
Comment: This variant was observed in the ICSL laboratory as part of a predisposition screen in an ostensibly healthy population. It had not been previously curated by ICSL or reported in the Human Gene Mutation Database (HGMD: prior to June 1st, 2018), and was therefore a candidate for classification through an automated scoring system. Utilizing variant allele frequency, disease prevalence and penetrance estimates, and inheritance mode, an automated score was calculated to assess if this variant is too frequent to cause the disease. Based on the score and internal cut-off values, a variant classified as benign is not then subjected to further curation. The score for this variant resulted in a classification of benign for this disease.

Illumina Laboratory Services, Illumina
Classification: Benign for Familial visceral amyloidosis, Ostertag type. Last evaluated: 2018-03-06. Review status: criteria provided, single submitter. Criteria: ICSL Variant Classification Criteria 13 December 2019. Collection method: clinical testing. Allele origin: germline.
Comment: the same text as in the submission from Illumina Laboratory Services, Illumina above.

Clinical Genetics DNA and cytogenetics Diagnostics Lab, Erasmus MC, Erasmus Medical Center
Classification: Likely benign. Review status: no assertion criteria provided. Collection method: clinical testing. Allele origin: germline. Affected: yes. Study: VKGL Data-share Consensus. Not counted in ClinVar's aggregate classification.

Clinical Genetics, Academic Medical Center
Classification: Benign. Review status: no assertion criteria provided. Collection method: clinical testing. Allele origin: germline. Affected: yes. Study: VKGL Data-share Consensus. Not counted in ClinVar's aggregate classification.

Literature cited by the submitters: PubMed 23209431 (cited by Women's Health and Genetics/Laboratory Corporation of America, LabCorp and Ambry Genetics); PubMed 32666307 (cited by Women's Health and Genetics/Laboratory Corporation of America, LabCorp); PubMed 26605794 (cited by Women's Health and Genetics/Laboratory Corporation of America, LabCorp and Ambry Genetics); PubMed 21443680 (cited by Ambry Genetics).

NM_000039.3(APOA1):c.562G>T (p.Ala188Ser)

Gene: APOA1 (apolipoprotein A1; minus strand). Cytogenetic location: 11q23.3.
Variant type: single nucleotide variant.
Coding change: c.562G>T on transcript NM_000039.3 (MANE Select); coding-DNA position 562, G replaced by T.
Protein change: p.Ala188Ser; replaces alanine 188 with serine.
Molecular consequence: missense variant.
Genome position (GRCh38, 1-based): chr11:116,836,050, C>A on the plus strand (G>T on the coding strand, the complement: APOA1 is on the minus strand). VCF-style: chr11-116836050-C-A. GRCh37 (hg19) VCF-style: chr11-116706766-C-A.
Other names: c.562G>T, p.Ala188Ser (NM_001318017.2, NM_001318018.2); c.235G>T, p.Ala79Ser (NM_001318021.2); short protein forms A188S, A79S.
Identifiers: ClinVar variation 302502 (VCV000302502.28), dbSNP rs140770089, ClinGen allele CA6289784.